The following is an entry in ClinVar:

NM_006509.4(RELB):c.1625C>T (p.Pro542Leu)

Gene: RELB (RELB proto-oncogene, NF-kB subunit; plus strand). Cytogenetic location: 19q13.32.
Variant type: single nucleotide variant.
Coding change: c.1625C>T on transcript NM_006509.4 (MANE Select); coding-DNA position 1625, C replaced by T.
Protein change: p.Pro542Leu; replaces proline 542 with leucine.
Molecular consequence: missense variant.
Genome position (GRCh38, 1-based): chr19:45,037,675, C>T. VCF-style: chr19-45037675-C-T. GRCh37 (hg19) VCF-style: chr19-45540933-C-T.
Other names: c.1616C>T, p.Pro539Leu (NM_001411087.1); c.1625C>T (NM_006509.3); short protein forms P542L, P539L.
Identifiers: ClinVar variation 2722000 (VCV002722000.5), dbSNP rs574936564, ClinGen allele CA9507923.
Genomic context (GRCh38, chr19:45,037,675, plus strand): 5'-GGGCCGTGGTTGGGGAGACCCCCGGCCCTGAACCACTGACACTGGACTCGTACCAGGCCC[C>T]GGGCCCCGGGGATGGAGGCACCGCCAGCCTTGTGGGCAGCAACATGTTCCCCAATCATTA-3'
Protein context (NP_006500.2, residues 532-552): EPLTLDSYQA[Pro542Leu]GPGDGGTASL

ClinVar aggregate classification (germline): Uncertain significance. Review status: criteria provided, multiple submitters, no conflicts (2 of 4 stars). 3 submissions from 3 submitters: Uncertain significance (3). Last evaluated 2025-12-26.

Allele frequency attached by ClinVar (database versions not stated): ExAC 0.00004; gnomAD 0.00013; 1000 Genomes Project 30x 0.00016; TOPMed 0.00016; 1000 Genomes Project 0.00020.

Submissions (3):

Labcorp Genetics (formerly Invitae), Labcorp
Classification: Uncertain significance. Last evaluated: 2025-12-26. Review status: criteria provided, single submitter. Criteria: Invitae Variant Classification Sherloc (09022015). Collection method: clinical testing. Allele origin: germline.
Comment: This sequence change replaces proline, which is neutral and non-polar, with leucine, which is neutral and non-polar, at codon 542 of the RELB protein (p.Pro542Leu). The frequency data for this variant in the population databases is considered unreliable, as metrics indicate poor data quality at this position in the gnomAD database. This variant has not been reported in the literature in individuals affected with RELB-related conditions. ClinVar contains an entry for this variant (Variation ID: 2722000). An algorithm developed to predict the effect of missense changes on protein structure and function outputs the following: PolyPhen-2: "Benign". The leucine amino acid residue is found in multiple mammalian species, which suggests that this missense change does not adversely affect protein function. In summary, the available evidence is currently insufficient to determine the role of this variant in disease. Therefore, it has been classified as a Variant of Uncertain Significance.

Ambry Genetics
Classification: Uncertain significance. Last evaluated: 2024-03-19. Review status: criteria provided, single submitter. Criteria: Ambry Variant Classification Scheme 2023. Collection method: clinical testing. Allele origin: germline.

Blueprint Genetics
Classification: Uncertain significance. Last evaluated: 2023-05-19. Review status: criteria provided, single submitter. Criteria: ACMG Guidelines, 2015. Collection method: clinical testing. Allele origin: germline.